The following is an entry in ClinVar:

NM_001377142.1(PLCB4):c.61G>A (p.Ala21Thr)

Gene: PLCB4 (phospholipase C beta 4; plus strand). Cytogenetic location: 20p12.2.
Variant type: single nucleotide variant.
Coding change: c.61G>A on transcript NM_001377142.1 (MANE Select); coding-DNA position 61, G replaced by A.
Protein change: p.Ala21Thr; replaces alanine 21 with threonine.
Molecular consequence: missense variant.
Genome position (GRCh38, 1-based): chr20:9,307,875, G>A. VCF-style: chr20-9307875-G-A. GRCh37 (hg19) VCF-style: chr20-9288522-G-A.
Other names: c.61G>A, p.Ala21Thr (NM_000933.4, NM_001172646.2, NM_001377134.2 and 4 more transcripts); short protein forms A21T.
Identifiers: ClinVar variation 339552 (VCV000339552.19), dbSNP rs6077510, ClinGen allele CA9760700.
Genomic context (GRCh38, chr20:9,307,875, plus strand): 5'-ATGGCCAAACCTTATGAATTTAACTGGCAGAAGGAAGTTCCCTCCTTTTTGCAAGAAGGA[G>A]CAGTTTTTGACAGATACGAGGAGGTAAAGAAGTGTTATTAATCTTTTCTCTCAAAACATT-3'
Protein context (NP_001364071.1, residues 11-31): KEVPSFLQEG[Ala21Thr]VFDRYEEESF

ClinVar aggregate classification (germline): Benign. Review status: criteria provided, multiple submitters, no conflicts (2 of 4 stars). 6 submissions from 6 submitters: Benign (6). Last evaluated 2026-02-01.

Conditions:
Auriculocondylar syndrome 2 (ARCND2A). Also called: AURICULOCONDYLAR SYNDROME 2A. Identifiers: Orphanet 137888, MedGen C3553404, MONDO:0013845, OMIM 614669.

Allele frequency attached by ClinVar (database versions not stated): 1000 Genomes Project 30x 0.46518; 1000 Genomes Project 0.47145; TOPMed 0.50454; gnomAD 0.50724 and 0.51381; ESP Exome Variant Server 0.51654; gnomAD exomes 0.59644; ExAC 0.59654.
gnomAD v4.1: 985,968 of 1,557,610 alleles (63%); highest among the groups gnomAD compares: Non-Finnish European, 68%; 323,537 homozygotes.

Submissions (6):

Labcorp Genetics (formerly Invitae), Labcorp
Classification: Benign. Last evaluated: 2026-02-01. Review status: criteria provided, single submitter. Criteria: Invitae Variant Classification Sherloc (09022015). Collection method: clinical testing. Allele origin: germline.

Genome-Nilou Lab
Classification: Benign for Auriculocondylar syndrome 2. Last evaluated: 2021-09-05. Review status: criteria provided, single submitter. Criteria: ACMG Guidelines, 2015. Collection method: clinical testing. Allele origin: germline. Affected: no.

GeneDx
Classification: Benign. Last evaluated: 2019-08-15. Review status: criteria provided, single submitter. Criteria: GeneDx Variant Classification Process June 2021. Collection method: clinical testing. Allele origin: germline. Affected: yes.

Mendelics
Classification: Benign for Auriculocondylar syndrome 2. Last evaluated: 2019-05-28. Review status: criteria provided, single submitter. Criteria: Mendelics Assertion Criteria 2017. Collection method: clinical testing. Allele origin: unknown.

Illumina Laboratory Services, Illumina
Classification: Benign for Auriculocondylar syndrome 2. Last evaluated: 2018-01-13. Review status: criteria provided, single submitter. Criteria: ICSL Variant Classification Criteria 13 December 2019. Collection method: clinical testing. Allele origin: germline.
Comment: This variant was observed in the ICSL laboratory as part of a predisposition screen in an ostensibly healthy population. It had not been previously curated by ICSL or reported in the Human Gene Mutation Database (HGMD: prior to June 1st, 2018), and was therefore a candidate for classification through an automated scoring system. Utilizing variant allele frequency, disease prevalence and penetrance estimates, and inheritance mode, an automated score was calculated to assess if this variant is too frequent to cause the disease. Based on the score and internal cut-off values, a variant classified as benign is not then subjected to further curation. The score for this variant resulted in a classification of benign for this disease.

Breakthrough Genomics
Classification: Benign. Review status: criteria provided, single submitter. Criteria: ACMG Guidelines, 2015. Collection method: not provided. Allele origin: germline. Inheritance: Autosomal dominant inheritance. Affected: yes.